The following is an entry in ClinVar:

ClinVar aggregate classification (germline): Uncertain significance (1 of 4 stars; one submission).

Conditions:
Progressive sclerosing poliodystrophy (MTDPS4A). Also called: ALPERS PROGRESSIVE INFANTILE POLIODYSTROPHY; ALPERS DIFFUSE DEGENERATION OF CEREBRAL GRAY MATTER WITH HEPATIC CIRRHOSIS; Alpers-Huttenlocher Syndrome; NEURONAL DEGENERATION OF CHILDHOOD WITH LIVER DISEASE, PROGRESSIVE; Alpers Syndrome; Mitochondrial DNA Depletion Syndrome 4A. Identifiers: Orphanet 726, MedGen C0205710, MONDO:0008758, OMIM 203700.

Submission:

Labcorp Genetics (formerly Invitae), Labcorp
Classification: Uncertain significance for Progressive sclerosing poliodystrophy. Last evaluated: 2024-10-30. Review status: criteria provided, single submitter. Criteria: Invitae Variant Classification Sherloc (09022015). Collection method: clinical testing. Allele origin: germline.
Comment: This variant, c.136_137ins30, results in the insertion of 10 amino acid(s) of the POLG protein (p.Gln45_Gln46ins10), but otherwise preserves the integrity of the reading frame. This variant is not present in population databases (gnomAD no frequency). This variant has not been reported in the literature in individuals affected with POLG-related conditions. Experimental studies and prediction algorithms are not available or were not evaluated, and the functional significance of this variant is currently unknown. In summary, the available evidence is currently insufficient to determine the role of this variant in disease. Therefore, it has been classified as a Variant of Uncertain Significance.

NM_002693.3(POLG):c.136_137insGGCAGCGGCGGCGGCAGCAGCAGCAGCAGC (p.Gln45_Gln46insArgGlnArgArgArgGlnGlnGlnGlnGln)

Genes: POLG (DNA polymerase gamma, catalytic subunit; minus strand), POLGARF (POLG alternative reading frame; minus strand). Cytogenetic location: 15q26.1.
Variant type: Microsatellite.
Coding change: c.136_137insGGCAGCGGCGGCGGCAGCAGCAGCAGCAGC on transcript NM_002693.3 (MANE Select); coding-DNA positions 136 to 137, GGCAGCGGCGGCGGCAGCAGCAGCAGCAGC inserted.
Protein change: p.Gln45_Gln46insArgGlnArgArgArgGlnGlnGlnGlnGln.
Molecular consequence: inframe insertion.
Genome position: GRCh38 VCF-style: chr15-89333618-T-TGCTGCTGCTGCTGCTGCCGCCGCCGCTGCC. GRCh37 (hg19) VCF-style: chr15-89876849-T-TGCTGCTGCTGCTGCTGCCGCCGCCGCTGCC.
Other names: c.136_137insGGCAGCGGCGGCGGCAGCAGCAGCAGCAGC, p.Gln45_Gln46insArgGlnArgArgArgGlnGlnGlnGlnGln (NM_001126131.2).
Identifiers: ClinVar variation 1015026 (VCV001015026.9), dbSNP rs2055628450.